The following is an entry in ClinVar:

NM_000222.3(KIT):c.1280A>G (p.Gln427Arg)

Gene: KIT (KIT proto-oncogene, receptor tyrosine kinase; plus strand). Cytogenetic location: 4q12.
Variant type: single nucleotide variant.
Coding change: c.1280A>G on transcript NM_000222.3 (MANE Select); coding-DNA position 1280, A replaced by G.
Protein change: p.Gln427Arg; replaces glutamine 427 with arginine.
Molecular consequence: missense variant.
Genome position (GRCh38, 1-based): chr4:54,723,632, A>G. VCF-style: chr4-54723632-A-G. GRCh37 (hg19) VCF-style: chr4-55589798-A-G.
Other names: c.1280A>G, p.Gln427Arg (NM_001093772.2, NM_001385285.1, NM_001385286.1); c.1283A>G, p.Gln428Arg (NM_001385284.1, NM_001385288.1, NM_001385290.1 and 1 more transcripts); c.1280A>G (NM_000222.2); short protein forms Q428R, Q427R.
Identifiers: ClinVar variation 1486850 (VCV001486850.10), dbSNP rs1560414436, ClinGen allele CA356905538.

ClinVar aggregate classification (germline): Uncertain significance. Review status: criteria provided, multiple submitters, no conflicts (2 of 4 stars). 2 submissions from 2 submitters: Uncertain significance (2). Last evaluated 2025-07-07.

Conditions:
Hereditary cancer-predisposing syndrome. Also called: Hereditary neoplastic syndrome; Tumor predisposition; Hereditary Cancer Syndrome; Neoplastic Syndromes, Hereditary. Identifiers: Orphanet 140162, MedGen C0027672, MeSH D009386, MONDO:0015356.
Gastrointestinal stromal tumor. Also called: Gastrointestinal stroma tumor; Gastrointestinal stromal tumor, somatic. Identifiers: Orphanet 44890, MedGen C0238198, MeSH D046152, MONDO:0011719, OMIM 606764, HP:0100723.

Submissions (2):

Labcorp Genetics (formerly Invitae), Labcorp
Classification: Uncertain significance for Gastrointestinal stromal tumor. Last evaluated: 2025-07-07. Review status: criteria provided, single submitter. Criteria: Invitae Variant Classification Sherloc (09022015). Collection method: clinical testing. Allele origin: germline.
Comment: This sequence change replaces glutamine, which is neutral and polar, with arginine, which is basic and polar, at codon 427 of the KIT protein (p.Gln427Arg). This variant is not present in population databases (gnomAD no frequency). This variant has not been reported in the literature in individuals affected with KIT-related conditions. ClinVar contains an entry for this variant (Variation ID: 1486850). An algorithm developed to predict the effect of missense changes on protein structure and function (PolyPhen-2) suggests that this variant is likely to be tolerated. In summary, the available evidence is currently insufficient to determine the role of this variant in disease. Therefore, it has been classified as a Variant of Uncertain Significance.

Ambry Genetics
Classification: Uncertain significance for Hereditary cancer-predisposing syndrome. Last evaluated: 2023-06-01. Review status: criteria provided, single submitter. Criteria: Ambry Variant Classification Scheme 2023. Collection method: clinical testing. Allele origin: germline.
Comment: The p.Q427R variant (also known as c.1280A>G), located in coding exon 8 of the KIT gene, results from an A to G substitution at nucleotide position 1280. The glutamine at codon 427 is replaced by arginine, an amino acid with highly similar properties. This amino acid position is conserved. In addition, this alteration is predicted to be tolerated by in silico analysis. Since supporting evidence is limited at this time, the clinical significance of this alteration remains unclear.